The following is an entry in ClinVar:

NM_018263.6(ASXL2):c.2641G>T (p.Ala881Ser)

Gene: ASXL2 (ASXL transcriptional regulator 2; minus strand). Cytogenetic location: 2p23.3.
Variant type: single nucleotide variant.
Coding change: c.2641G>T on transcript NM_018263.6 (MANE Select); coding-DNA position 2641, G replaced by T.
Protein change: p.Ala881Ser; replaces alanine 881 with serine.
Molecular consequence: missense variant.
Genome position (GRCh38, 1-based): chr2:25,743,696, C>A on the plus strand (G>T on the coding strand, the complement: ASXL2 is on the minus strand). VCF-style: chr2-25743696-C-A. GRCh37 (hg19) VCF-style: chr2-25966565-C-A.
Other names: c.2641G>T (NM_018263.4); c.2467G>T, p.Ala823Ser (NM_001369346.1); c.1861G>T, p.Ala621Ser (NM_001369347.1); short protein forms A621S, A823S, A881S.
Identifiers: ClinVar variation 1059583 (VCV001059583.33), dbSNP rs201937732, ClinGen allele CA1557603.

ClinVar aggregate classification (germline): Conflicting classifications of pathogenicity. Review status: criteria provided, conflicting classifications (1 of 4 stars). 3 submissions from 3 submitters: Uncertain significance (1); Benign (1); Likely benign (1). Last evaluated 2025-03-31.

Conditions:
Inborn genetic diseases. Identifiers: MedGen C0950123, MeSH D030342.

Allele frequency attached by ClinVar (database versions not stated): gnomAD 0.00001; TOPMed 0.00001; ExAC 0.00002; gnomAD exomes 0.00002 and 0.00004; ESP Exome Variant Server 0.00008.
gnomAD v4.1: 33 of 1,613,862 alleles (0.002%); highest among the groups gnomAD compares: Non-Finnish European, 0.0028%; no homozygotes.

Submissions (3):

Labcorp Genetics (formerly Invitae), Labcorp
Classification: Benign. Last evaluated: 2025-03-31. Review status: criteria provided, single submitter. Criteria: Invitae Variant Classification Sherloc (09022015). Collection method: clinical testing. Allele origin: germline.

Ambry Genetics
Classification: Uncertain significance for Inborn genetic diseases. Last evaluated: 2022-11-17. Review status: criteria provided, single submitter. Criteria: Ambry Variant Classification Scheme 2023. Collection method: clinical testing. Allele origin: germline.

CeGaT Center for Human Genetics Tuebingen
Classification: Likely benign. Last evaluated: 2022-08-01. Review status: criteria provided, single submitter. Criteria: CeGaT Center For Human Genetics Tuebingen Variant Classification Criteria Version 2. Collection method: clinical testing. Allele origin: germline. Affected: yes. Observed: 1 variant allele.
Comment: ASXL2: BP4